The following is an entry in ClinVar:

NM_032447.5(FBN3):c.2836G>A (p.Val946Met)

Gene: FBN3 (fibrillin 3; minus strand). Cytogenetic location: 19p13.2.
Variant type: single nucleotide variant.
Coding change: c.2836G>A on transcript NM_032447.5 (MANE Select); coding-DNA position 2836, G replaced by A.
Protein change: p.Val946Met; replaces valine 946 with methionine.
Molecular consequence: missense variant.
Genome position (GRCh38, 1-based): chr19:8,123,904, C>T on the plus strand (G>A on the coding strand, the complement: FBN3 is on the minus strand). VCF-style: chr19-8123904-C-T. GRCh37 (hg19) VCF-style: chr19-8188788-C-T.
Other names: c.2836G>A, p.Val946Met (NM_001321431.2); short protein forms V946M.
Identifiers: ClinVar variation 4748595 (VCV004748595.1).

ClinVar aggregate classification (germline): Uncertain significance (1 of 4 stars; one submission).

gnomAD v4.1: 32 of 1,614,014 alleles (0.002%); highest among the groups gnomAD compares: East Asian, 0.0067%; no homozygotes.

Submission:

Labcorp Genetics (formerly Invitae), Labcorp
Classification: Uncertain significance. Last evaluated: 2025-08-20. Review status: criteria provided, single submitter. Criteria: Invitae Variant Classification Sherloc (09022015). Collection method: clinical testing. Allele origin: germline.
Comment: This sequence change replaces valine, which is neutral and non-polar, with methionine, which is neutral and non-polar, at codon 946 of the FBN3 protein (p.Val946Met). This variant is present in population databases (rs549529568, gnomAD 0.006%). This variant has not been reported in the literature in individuals affected with FBN3-related conditions. Invitae Evidence Modeling of protein sequence and biophysical properties (such as structural, functional, and spatial information, amino acid conservation, physicochemical variation, residue mobility, and thermodynamic stability) has been performed for this missense variant. However, the output from this modeling did not meet the statistical confidence thresholds required to predict the impact of this variant on FBN3 protein function. In summary, the available evidence is currently insufficient to determine the role of this variant in disease. Therefore, it has been classified as a Variant of Uncertain Significance.